The following is an entry in ClinVar:

ClinVar aggregate classification (germline): Uncertain significance. Review status: criteria provided, multiple submitters, no conflicts (2 of 4 stars). 6 submissions from 6 submitters: Uncertain significance (6). Last evaluated 2025-09-30.

Conditions:
LMNA-related disorder. Also called: LMNA-related disorders; LMNA-related condition; LMNA-related disease. Identifiers: MedGen CN380145.
Cardiovascular phenotype. Identifiers: MedGen CN230736.
Charcot-Marie-Tooth disease type 2. Also called: Charcot-Marie-Tooth type 2. Identifiers: Orphanet 64746, MedGen C0270914, MONDO:0018993.
Cardiomyopathy (CMYO). Also called: Cardiomyopathies. Identifiers: Orphanet 167848, MedGen C0878544, MONDO:0004994, HP:0001638. Inheritance: Various modes of inheritance.
Primary dilated cardiomyopathy (DCM). Also called: Dilated Cardiomyopathy. Identifiers: Orphanet 217604, MedGen C0007193, MeSH D002311, MONDO:0005021, HP:0001644. Inheritance: Various modes of inheritance.

Allele frequency attached by ClinVar (database versions not stated): gnomAD exomes below 0.00001 and 0.00001; ExAC 0.00001.
gnomAD v4.1: 4 of 1,614,186 alleles (0.00025%); highest among the groups gnomAD compares: South Asian, 0.0011%; no homozygotes.

Submissions (6):

Color Diagnostics, LLC DBA Color Health
Classification: Uncertain significance for Cardiomyopathy. Last evaluated: 2025-09-30. Review status: criteria provided, single submitter. Criteria: ACMG Guidelines, 2015. Collection method: clinical testing. Allele origin: germline.
Comment: This missense variant replaces arginine with tryptophan at codon 240 of the LMNA protein. Computational prediction suggests that this variant may have deleterious impact on protein structure and function. To our knowledge, functional studies have not been reported for this variant. This variant has not been reported in individuals affected with LMNA-related disorders in the literature. This variant has been identified in 4/1614186 chromosomes in the general population by the Genome Aggregation Database (gnomAD). The available evidence is insufficient to determine the role of this variant in disease conclusively. Therefore, this variant is classified as a Variant of Uncertain Significance.

PreventionGenetics, part of Exact Sciences
Classification: Uncertain significance for LMNA-related condition. Last evaluated: 2025-04-10. Review status: criteria provided, single submitter. Criteria: ACMG Guidelines, 2015. Collection method: clinical testing. Allele origin: germline.
Comment: The LMNA c.718C>T variant is predicted to result in the amino acid substitution p.Arg240Trp. This variant was reported as a variant of uncertain significance in a large cohort of individuals with dyslipidemias; however, additional clinical details were not provided (Supp. Table 4, Dron et al. 2020. PubMed ID: 32041611). This variant is reported in 0.0033% of alleles in individuals of South Asian descent in gnomAD. At this time, the clinical significance of this variant is uncertain due to the absence of conclusive functional and genetic evidence.

Labcorp Genetics (formerly Invitae), Labcorp
Classification: Uncertain significance for Charcot-Marie-Tooth disease type 2. Last evaluated: 2024-07-30. Review status: criteria provided, single submitter. Criteria: Invitae Variant Classification Sherloc (09022015). Collection method: clinical testing. Allele origin: germline.
Comment: This sequence change replaces arginine, which is basic and polar, with tryptophan, which is neutral and slightly polar, at codon 240 of the LMNA protein (p.Arg240Trp). This variant is present in population databases (rs775964460, gnomAD 0.003%). This variant has not been reported in the literature in individuals affected with LMNA-related conditions. ClinVar contains an entry for this variant (Variation ID: 279839). Advanced modeling of protein sequence and biophysical properties (such as structural, functional, and spatial information, amino acid conservation, physicochemical variation, residue mobility, and thermodynamic stability) performed at Invitae indicates that this missense variant is expected to disrupt LMNA protein function with a positive predictive value of 95%. In summary, the available evidence is currently insufficient to determine the role of this variant in disease. Therefore, it has been classified as a Variant of Uncertain Significance.

Ambry Genetics
Classification: Uncertain significance for Cardiovascular phenotype. Last evaluated: 2024-01-30. Review status: criteria provided, single submitter. Criteria: Ambry Variant Classification Scheme 2023. Collection method: clinical testing. Allele origin: germline.
Comment: The p.R240W variant (also known as c.718C>T), located in coding exon 4 of the LMNA gene, results from a C to T substitution at nucleotide position 718. The arginine at codon 240 is replaced by tryptophan, an amino acid with dissimilar properties. This amino acid position is not well conserved in available vertebrate species. In addition, the in silico prediction for this alteration is inconclusive. Since supporting evidence is limited at this time, the clinical significance of this alteration remains unclear.

All of Us Research Program, National Institutes of Health
Classification: Uncertain significance for Primary dilated cardiomyopathy. Last evaluated: 2023-06-26. Review status: criteria provided, single submitter. Criteria: ACMG Guidelines, 2015. Collection method: clinical testing. Allele origin: germline. Inheritance: Autosomal dominant inheritance. Observed: 1 variant allele, 1 heterozygote.
Comment: This missense variant replaces arginine with tryptophan at codon 240 of the LMNA protein. Computational prediction suggests that this variant may have deleterious impact on protein structure and function (internally defined REVEL score threshold >= 0.7, PMID: 27666373). To our knowledge, functional studies have not been reported for this variant. This variant has not been reported in individuals affected with LMNA-related disorders in the literature. This variant has been identified in 2/251442 chromosomes in the general population by the Genome Aggregation Database (gnomAD). The available evidence is insufficient to determine the role of this variant in disease conclusively. Therefore, this variant is classified as a Variant of Uncertain Significance.

This study involves interpretation of variants in research participants for the purpose of population health screening. Participant phenotype was not available at the time of variant classification. Additional details can be found in publication PMID: 35346344, PMCID: PMC8962531

GeneDx
Classification: Uncertain significance. Last evaluated: 2021-01-27. Review status: criteria provided, single submitter. Criteria: GeneDx Variant Classification Process June 2021. Collection method: clinical testing. Allele origin: germline. Affected: yes.
Comment: Has not been previously published as pathogenic or benign to our knowledge; Reported in ClinVar as a variant of uncertain significance (ClinVar Variant ID# 279839; Landrum et al., 2016); Not observed at a significant frequency in large population cohorts (Lek et al., 2016); In silico analysis supports that this missense variant has a deleterious effect on protein structure/function; This variant is associated with the following publications: (PMID: 32041611)

NM_170707.4(LMNA):c.718C>T (p.Arg240Trp)

Gene: LMNA (lamin A/C; plus strand). Cytogenetic location: 1q22.
Variant type: single nucleotide variant.
Coding change: c.718C>T on transcript NM_170707.4 (MANE Select); coding-DNA position 718, C replaced by T.
Protein change: p.Arg240Trp; replaces arginine 240 with tryptophan.
Molecular consequence: missense variant.
Genome position (GRCh38, 1-based): chr1:156,134,883, C>T. VCF-style: chr1-156134883-C-T. GRCh37 (hg19) VCF-style: chr1-156104674-C-T.
Other names: c.382C>T, p.Arg128Trp (NM_001257374.3); c.475C>T, p.Arg159Trp (NM_001282624.2); c.718C>T, p.Arg240Trp (NM_001282625.2, NM_001282626.2, NM_005572.4 and 1 more transcripts); short protein forms R240W, R128W, R159W.
Identifiers: ClinVar variation 279839 (VCV000279839.15), dbSNP rs775964460, ClinGen allele CA054189.